The following is an entry in ClinVar:

ClinVar aggregate classification (germline): Uncertain significance (1 of 4 stars; one submission).

Conditions:
Inflammatory bowel disease 28. Also called: Inflammatory bowel disease 28, early onset, autosomal recessive. Identifiers: Orphanet 238569, MedGen C2751053, MONDO:0013153, OMIM 613148.

Submission:

Labcorp Genetics (formerly Invitae), Labcorp
Classification: Uncertain significance for Inflammatory bowel disease 28. Last evaluated: 2020-11-17. Review status: criteria provided, single submitter. Criteria: Invitae Variant Classification Sherloc (09022015). Collection method: clinical testing. Allele origin: germline.
Comment: In summary, the available evidence is currently insufficient to determine the role of this variant in disease. Therefore, it has been classified as a Variant of Uncertain Significance. Algorithms developed to predict the effect of missense changes on protein structure and function (SIFT, PolyPhen-2, Align-GVGD) all suggest that this variant is likely to be tolerated, but these predictions have not been confirmed by published functional studies and their clinical significance is uncertain. This variant has not been reported in the literature in individuals with IL10RA-related conditions. This variant is not present in population databases (ExAC no frequency). This sequence change replaces lysine with asparagine at codon 142 of the IL10RA protein (p.Lys142Asn). The lysine residue is weakly conserved and there is a moderate physicochemical difference between lysine and asparagine.

NM_001558.4(IL10RA):c.426G>C (p.Lys142Asn)

Gene: IL10RA (interleukin 10 receptor subunit alpha; plus strand). Cytogenetic location: 11q23.3.
Variant type: single nucleotide variant.
Coding change: c.426G>C on transcript NM_001558.4 (MANE Select); coding-DNA position 426, G replaced by C.
Protein change: p.Lys142Asn; replaces lysine 142 with asparagine.
Molecular consequence: missense variant. On other transcripts: non-coding transcript variant (1).
Genome position (GRCh38, 1-based): chr11:117,993,299, G>C. VCF-style: chr11-117993299-G-C. GRCh37 (hg19) VCF-style: chr11-117864014-G-C.
Other names: short protein forms K142N.
Identifiers: ClinVar variation 1486099 (VCV001486099.8), dbSNP rs1487076003, ClinGen allele CA382774539.